The following is an entry in ClinVar:

ClinVar aggregate classification (germline): Uncertain significance (1 of 4 stars; one submission).

Conditions:
Atrial fibrillation, familial, 18 (ATFB18). Identifiers: MedGen C4310636, MONDO:0015001, OMIM 617280.

Allele frequency attached by ClinVar (database versions not stated): ExAC 0.00001; gnomAD 0.00002.
gnomAD v4.1: 16 of 1,614,078 alleles (0.00099%); highest among the groups gnomAD compares: Admixed American, 0.0033%; no homozygotes.

Submission:

Labcorp Genetics (formerly Invitae), Labcorp
Classification: Uncertain significance for Atrial fibrillation, familial, 18. Last evaluated: 2025-04-22. Review status: criteria provided, single submitter. Criteria: Invitae Variant Classification Sherloc (09022015). Collection method: clinical testing. Allele origin: germline.
Comment: This sequence change replaces glycine, which is neutral and non-polar, with arginine, which is basic and polar, at codon 79 of the MYL4 protein (p.Gly79Arg). This variant is present in population databases (rs748072025, gnomAD 0.003%). This variant has not been reported in the literature in individuals affected with MYL4-related conditions. ClinVar contains an entry for this variant (Variation ID: 2740053). An algorithm developed to predict the effect of missense changes on protein structure and function (PolyPhen-2) suggests that this variant is likely to be disruptive. In summary, the available evidence is currently insufficient to determine the role of this variant in disease. Therefore, it has been classified as a Variant of Uncertain Significance.

NM_002476.2(MYL4):c.235G>A (p.Gly79Arg)

Gene: MYL4 (myosin light chain 4; plus strand). Cytogenetic location: 17q21.32.
Variant type: single nucleotide variant.
Coding change: c.235G>A on transcript NM_002476.2 (MANE Select); coding-DNA position 235, G replaced by A.
Protein change: p.Gly79Arg; replaces glycine 79 with arginine.
Molecular consequence: missense variant.
Genome position (GRCh38, 1-based): chr17:47,219,975, G>A. VCF-style: chr17-47219975-G-A. GRCh37 (hg19) VCF-style: chr17-45297341-G-A.
Other names: c.235G>A, p.Gly79Arg (NM_001002841.2); short protein forms G79R.
Identifiers: ClinVar variation 2740053 (VCV002740053.3), dbSNP rs748072025, ClinGen allele CA8622691.